The following is an entry in ClinVar:

NM_001277115.2(DNAH11):c.6118C>T (p.Arg2040Cys)

Gene: DNAH11 (dynein axonemal heavy chain 11; plus strand). Cytogenetic location: 7p15.3.
Variant type: single nucleotide variant.
Coding change: c.6118C>T on transcript NM_001277115.2 (MANE Select); coding-DNA position 6118, C replaced by T.
Protein change: p.Arg2040Cys; replaces arginine 2040 with cysteine.
Molecular consequence: missense variant.
Genome position (GRCh38, 1-based): chr7:21,698,151, C>T. VCF-style: chr7-21698151-C-T. GRCh37 (hg19) VCF-style: chr7-21737769-C-T.
Other names: short protein forms R2040C.
Identifiers: ClinVar variation 1210282 (VCV001210282.5), dbSNP rs199772877, ClinGen allele CA4180691.
Genomic context (GRCh38, chr7:21,698,151, plus strand): 5'-GCCCCTGACATTGAGCTAATCTGTGAAATCTTGTTAGTTGCTGAAGGTTTTGTGGATGCG[C>T]GTGCATTAGCCCGAAAGTTCATTACGTTGTACACGCTTTGCAAGGAGCTTCTCTCCAAGC-3'
Protein context (NP_001264044.1, residues 2030-2050): LLVAEGFVDA[Arg2040Cys]ALARKFITLY

ClinVar aggregate classification (germline): Conflicting classifications of pathogenicity. Review status: criteria provided, conflicting classifications (1 of 4 stars). 3 submissions from 3 submitters: Uncertain significance (2); Benign (1). Last evaluated 2026-01-25.

Conditions:
Primary ciliary dyskinesia. Also called: Ciliary dyskinesia. Identifiers: Orphanet 244, MedGen C0008780, MONDO:0016575, HP:0012265.

Allele frequency attached by ClinVar (database versions not stated): ExAC 0.00007; gnomAD exomes 0.00009 and 0.00012; TOPMed 0.00010; gnomAD 0.00011; ESP Exome Variant Server 0.00024.
gnomAD v4.1: 200 of 1,613,476 alleles (0.012%); highest among the groups gnomAD compares: Non-Finnish European, 0.015%; no homozygotes.

Submissions (3):

Labcorp Genetics (formerly Invitae), Labcorp
Classification: Benign for Primary ciliary dyskinesia. Last evaluated: 2026-01-25. Review status: criteria provided, single submitter. Criteria: Invitae Variant Classification Sherloc (09022015). Collection method: clinical testing. Allele origin: germline.

Ambry Genetics
Classification: Uncertain significance for Primary ciliary dyskinesia. Last evaluated: 2024-06-06. Review status: criteria provided, single submitter. Criteria: Ambry Variant Classification Scheme 2023. Collection method: clinical testing. Allele origin: germline.
Comment: The p.R2040C variant (also known as c.6118C>T), located in coding exon 36 of the DNAH11 gene, results from a C to T substitution at nucleotide position 6118. The arginine at codon 2040 is replaced by cysteine, an amino acid with highly dissimilar properties. This variant has been identified in an individual with bronchiectasis, but clinical details were limited (Guan WJ et al. J Thorac Dis, 2018 May;10:2618-2630). This amino acid position is well conserved in available vertebrate species. In addition, this alteration is predicted to be tolerated by in silico analysis. Based on the available evidence, the clinical significance of this variant remains unclear.

UNC Molecular Genetics  Laboratory, University of North Carolina at Chapel Hill
Classification: Uncertain significance for Primary ciliary dyskinesia. Last evaluated: 2020-07-02. Review status: criteria provided, single submitter. Criteria: ACMG Guidelines, 2015. Collection method: clinical testing. Allele origin: germline. Observed: 1 heterozygote.

Literature cited by the submitters: PubMed 29997923 (cited by Ambry Genetics).